The following is an entry in ClinVar:

ClinVar aggregate classification (germline): Uncertain significance (1 of 4 stars; one submission).

Conditions:
Inborn genetic diseases. Identifiers: MedGen C0950123, MeSH D030342.

Submission:

Ambry Genetics
Classification: Uncertain significance for Inborn genetic diseases. Last evaluated: 2025-07-03. Review status: criteria provided, single submitter. Criteria: Ambry Variant Classification Scheme 2023. Collection method: clinical testing. Allele origin: germline.
Comment: The p.R221P variant (also known as c.662G>C), located in coding exon 6 of the PAX5 gene, results from a G to C substitution at nucleotide position 662. The arginine at codon 221 is replaced by proline, an amino acid with dissimilar properties. This amino acid position is conserved. In addition, this alteration is predicted to be deleterious by in silico analysis. Based on the available evidence, the clinical significance of this variant remains unclear.

NM_016734.3(PAX5):c.662G>C (p.Arg221Pro)

Gene: PAX5 (paired box 5; minus strand). Cytogenetic location: 9p13.2.
Variant type: single nucleotide variant.
Coding change: c.662G>C on transcript NM_016734.3 (MANE Select); coding-DNA position 662, G replaced by C.
Protein change: p.Arg221Pro; replaces arginine 221 with proline.
Molecular consequence: missense variant. On other transcripts: non-coding transcript variant (2).
Genome position (GRCh38, 1-based): chr9:36,966,667, C>G on the plus strand (G>C on the coding strand, the complement: PAX5 is on the minus strand). VCF-style: chr9-36966667-C-G. GRCh37 (hg19) VCF-style: chr9-36966664-C-G.
Other names: c.662G>C, p.Arg221Pro (NM_001280547.2, NM_001280548.2, NM_001280549.2 and 2 more transcripts); c.338G>C, p.Arg113Pro (NM_001280551.2, NM_001280556.2); c.533G>C, p.Arg178Pro (NM_001280553.2, NM_001280554.2); c.464G>C, p.Arg155Pro (NM_001280555.2); short protein forms R178P, R221P, R113P, R155P.
Identifiers: ClinVar variation 4131402 (VCV004131402.1).